The following is an entry in ClinVar:

ClinVar aggregate classification (germline): Uncertain significance (1 of 4 stars; one submission).

Conditions:
Gorlin syndrome. Also called: Nevoid Basal Cell Carcinoma Syndrome; Basal cell nevus syndrome. Identifiers: Orphanet 377, MedGen C0004779, MONDO:0007187.
Medulloblastoma (MDB). Also called: Medulloblastoma, somatic; MEDULLOBLASTOMA PREDISPOSITION SYNDROME. Identifiers: Orphanet 616, MedGen C0025149, MeSH D008527, MONDO:0007959, OMIM 155255, HP:0002885.

Submission:

Labcorp Genetics (formerly Invitae), Labcorp
Classification: Uncertain significance for Gorlin syndrome; Medulloblastoma. Last evaluated: 2022-03-19. Review status: criteria provided, single submitter. Criteria: Invitae Variant Classification Sherloc (09022015). Collection method: clinical testing. Allele origin: germline.
Comment: In summary, the available evidence is currently insufficient to determine the role of this variant in disease. Therefore, it has been classified as a Variant of Uncertain Significance. This sequence change replaces aspartic acid, which is acidic and polar, with asparagine, which is neutral and polar, at codon 350 of the SUFU protein (p.Asp350Asn). This variant is not present in population databases (gnomAD no frequency). This variant has not been reported in the literature in individuals affected with SUFU-related conditions. Algorithms developed to predict the effect of missense changes on protein structure and function are either unavailable or do not agree on the potential impact of this missense change (SIFT: "Deleterious"; PolyPhen-2: "Benign"; Align-GVGD: "Class C0").

NM_016169.4(SUFU):c.1048G>A (p.Asp350Asn)

Gene: SUFU (SUFU negative regulator of hedgehog signaling; plus strand). Cytogenetic location: 10q24.32.
Variant type: single nucleotide variant.
Coding change: c.1048G>A on transcript NM_016169.4 (MANE Select); coding-DNA position 1048, G replaced by A.
Protein change: p.Asp350Asn; replaces aspartic acid 350 with asparagine.
Molecular consequence: missense variant.
Genome position (GRCh38, 1-based): chr10:102,615,293, G>A. VCF-style: chr10-102615293-G-A. GRCh37 (hg19) VCF-style: chr10-104375050-G-A.
Other names: c.1048G>A, p.Asp350Asn (NM_001178133.2); short protein forms D350N.
Identifiers: ClinVar variation 2114693 (VCV002114693.4), dbSNP rs2135929906, ClinGen allele CA377913746.